The following is an entry in ClinVar:

NM_001673.5(ASNS):c.550C>T (p.His184Tyr)

Genes: ASNS (asparagine synthetase (glutamine-hydrolyzing); minus strand), CZ1P-ASNS (CZ1P-ASNS readthrough; minus strand). Cytogenetic location: 7q21.3.
Variant type: single nucleotide variant.
Coding change: c.550C>T on transcript NM_001673.5 (MANE Select); coding-DNA position 550, C replaced by T.
Protein change: p.His184Tyr; replaces histidine 184 with tyrosine.
Molecular consequence: missense variant. On other transcripts: non-coding transcript variant (1).
Genome position (GRCh38, 1-based): chr7:97,859,336, G>A on the plus strand (C>T on the coding strand, the complement: ASNS is on the minus strand). VCF-style: chr7-97859336-G-A. GRCh37 (hg19) VCF-style: chr7-97488648-G-A.
Other names: c.487C>T, p.His163Tyr (NM_001178075.2); c.301C>T, p.His101Tyr (NM_001178076.2, NM_001178077.1); c.550C>T, p.His184Tyr (NM_001352496.2, NM_133436.3, NM_183356.4); short protein forms H101Y, H163Y, H184Y.
Identifiers: ClinVar variation 2415863 (VCV002415863.4), dbSNP rs1377609658, ClinGen allele CA368269975.
Genomic context (GRCh38, chr7:97,859,336, plus strand): 5'-ATTTAACCATTTCCACGGATGCAACTTTGCCATTTGGCTTTAAATCCAAAACTTCATAGT[G>A]TCCAGGAAGAAAAGGCTCCACTTTTAAAAAGGGAGTCGCGGAGTGCTTCAATGTAACAAG-3'
Protein context (NP_001664.3, residues 174-194): FLKVEPFLPG[His184Tyr]YEVLDLKPNG

ClinVar aggregate classification (germline): Uncertain significance. Review status: criteria provided, multiple submitters, no conflicts (2 of 4 stars). 2 submissions from 2 submitters: Uncertain significance (2). Last evaluated 2025-08-03.

Conditions:
Inborn genetic diseases. Identifiers: MedGen C0950123, MeSH D030342.

Allele frequency attached by ClinVar (database versions not stated): gnomAD 0.00001; gnomAD exomes 0.00001; TOPMed 0.00001.
gnomAD v4.1: 22 of 1,613,910 alleles (0.0014%); highest among the groups gnomAD compares: Non-Finnish European, 0.0019%; no homozygotes.

Submissions (2):

Ambry Genetics
Classification: Uncertain significance for Inborn genetic diseases. Last evaluated: 2025-08-03. Review status: criteria provided, single submitter. Criteria: Ambry Variant Classification Scheme 2023. Collection method: clinical testing. Allele origin: germline.

Labcorp Genetics (formerly Invitae), Labcorp
Classification: Uncertain significance. Last evaluated: 2022-06-27. Review status: criteria provided, single submitter. Criteria: Invitae Variant Classification Sherloc (09022015). Collection method: clinical testing. Allele origin: germline.
Comment: This sequence change replaces histidine, which is basic and polar, with tyrosine, which is neutral and polar, at codon 184 of the ASNS protein (p.His184Tyr). This variant is not present in population databases (gnomAD no frequency). This variant has not been reported in the literature in individuals affected with ASNS-related conditions. Advanced modeling of protein sequence and biophysical properties (such as structural, functional, and spatial information, amino acid conservation, physicochemical variation, residue mobility, and thermodynamic stability) performed at Invitae indicates that this missense variant is expected to disrupt ASNS protein function. In summary, the available evidence is currently insufficient to determine the role of this variant in disease. Therefore, it has been classified as a Variant of Uncertain Significance.